The following is an entry in ClinVar:

NM_024675.4(PALB2):c.1714del (p.Ser572fs)

Gene: PALB2 (partner and localizer of BRCA2; minus strand). Cytogenetic location: 16p12.2.
Variant type: Deletion.
Coding change: c.1714del on transcript NM_024675.4 (MANE Select); coding-DNA position 1714, one base deleted (T; older notation c.1714delT).
Protein change: p.Ser572fs; shifts the reading frame from serine 572.
Molecular consequence: frameshift variant.
Genome position (GRCh38, 1-based): chr16:23,630,440, A deleted on the plus strand (T on the coding strand, the reverse complement: PALB2 is on the minus strand); the first of 2 consecutive A bases (chr16:23,630,440-23,630,441); deleting either gives the same sequence. VCF-style (leftmost placement, unchanged base first): chr16-23630439-GA-G. GRCh37 (hg19) VCF-style: chr16-23641760-GA-G.
Other names: c.1714delT (NM_024675.3); short protein forms S572fs.
Identifiers: ClinVar variation 246149 (VCV000246149.3), dbSNP rs879254121, ClinGen allele CA10584515.

ClinVar aggregate classification (germline): Pathogenic/Likely pathogenic. Review status: criteria provided, multiple submitters, no conflicts (2 of 4 stars). 2 submissions from 2 submitters: Pathogenic (1); Likely pathogenic (1). Last evaluated 2023-09-11.

Conditions:
Familial cancer of breast. Also called: BREAST CANCER, FAMILIAL; Hereditary breast cancer; hereditary breast carcinoma. Identifiers: Orphanet 227535, MedGen C0346153, MONDO:0016419, OMIM 114480. Disease mechanism: loss of function.

Submissions (2):

Myriad Genetics, Inc.
Classification: Pathogenic for Familial cancer of breast. Last evaluated: 2023-09-11. Review status: criteria provided, single submitter. Criteria: Myriad Autosomal Dominant, Autosomal Recessive and X-Linked Classification Criteria (2023). Collection method: clinical testing. Allele origin: unknown.
Comment: This variant is considered pathogenic. This variant creates a frameshift predicted to result in premature protein truncation.

GeneDx
Classification: Likely pathogenic. Last evaluated: 2015-12-22. Review status: criteria provided, single submitter. Criteria: GeneDx Variant Classification (06012015). Collection method: clinical testing. Allele origin: germline. Affected: yes.
Comment: This deletion of one nucleotide in PALB2 is denoted c.1714delT at the cDNA level and p.Ser572ProfsX27(S572PfsX27) at the protein level. The normal sequence, with the base that is deleted in braces, is GGAT[T]CCCT. The deletion causes a frameshift, which changes a Serine to a Proline at codon 572, and creates a premature stop codon at position 27 of the new reading frame. Although this variant has not, to our knowledge, been reported in the literature, it is predicted to cause loss of normal protein function through either protein truncation or nonsense-mediated mRNA decay. Based on the currently available information, we consider this deletion to be a likely pathogenic variant.